The following is an entry in ClinVar:

ClinVar aggregate classification (germline): Pathogenic (1 of 4 stars; one submission).

Submission:

Labcorp Genetics (formerly Invitae), Labcorp
Classification: Pathogenic. Last evaluated: 2025-02-10. Review status: criteria provided, single submitter. Criteria: Invitae Variant Classification Sherloc (09022015). Collection method: clinical testing. Allele origin: germline.
Comment: This sequence change creates a premature translational stop signal (p.Pro1075Glnfs*56) in the INPPL1 gene. It is expected to result in an absent or disrupted protein product. Loss-of-function variants in INPPL1 are known to be pathogenic (PMID: 23273567, 23273569). This variant is not present in population databases (gnomAD no frequency). This variant has not been reported in the literature in individuals affected with INPPL1-related conditions. Algorithms developed to predict the effect of sequence changes on RNA splicing suggest that this variant may create or strengthen a splice site. For these reasons, this variant has been classified as Pathogenic.

Literature cited by the submitters: PubMed 23273567; PubMed 23273569.

NM_001567.4(INPPL1):c.3222del (p.Pro1075fs)

Gene: INPPL1 (inositol polyphosphate phosphatase like 1; plus strand). Cytogenetic location: 11q13.4.
Variant type: Deletion.
Coding change: c.3222del on transcript NM_001567.4 (MANE Select); coding-DNA position 3222, one base deleted (G; older notation c.3222delG).
Protein change: p.Pro1075fs; shifts the reading frame from proline 1075.
Molecular consequence: frameshift variant.
Genome position (GRCh38, 1-based): chr11:72,237,466, G deleted; the last of 3 consecutive G bases (chr11:72,237,464-72,237,466); deleting any one gives the same sequence. VCF-style (leftmost placement, unchanged base first): chr11-72237463-AG-A. GRCh37 (hg19) VCF-style: chr11-71948507-AG-A.
Other names: c.3288del, p.Pro1097fs (NM_001440434.1); c.3222del, p.Pro1075fs (NM_001440435.1, NM_001440436.1, NM_001440438.1); c.3081del, p.Pro1028fs (NM_001440437.1); short protein forms P1075fs, P1097fs, P1028fs.
Identifiers: ClinVar variation 4711925 (VCV004711925.1).